The following is an entry in ClinVar:

NM_003072.5(SMARCA4):c.4777G>T (p.Val1593Phe)

Gene: SMARCA4 (SWI/SNF related BAF chromatin remodeling complex subunit ATPase 4; plus strand). Cytogenetic location: 19p13.2.
Variant type: single nucleotide variant.
Coding change: c.4777G>T on transcript NM_003072.5 (MANE Select); coding-DNA position 4777, G replaced by T.
Protein change: p.Val1593Phe; replaces valine 1593 with phenylalanine.
Molecular consequence: missense variant. On other transcripts: non-coding transcript variant (1).
Genome position (GRCh38, 1-based): chr19:11,060,053, G>T. VCF-style: chr19-11060053-G-T. GRCh37 (hg19) VCF-style: chr19-11170729-G-T.
Other names: c.4777G>T, p.Val1593Phe (NM_001128844.3); c.4687G>T, p.Val1563Phe (NM_001128845.2); c.4684G>T, p.Val1562Phe (NM_001128846.2); c.4678G>T, p.Val1560Phe (NM_001128847.4, NM_001374457.1); c.4675G>T, p.Val1559Phe (NM_001128848.2); c.4873G>T, p.Val1625Phe (NM_001128849.3, NM_001387283.1); c.4774G>T, p.Val1592Phe (NM_001411150.1); c.4873G>T (NM_001128849.1); short protein forms V1559F, V1562F, V1563F, V1560F, V1592F, V1593F, V1625F.
Identifiers: ClinVar variation 2760795 (VCV002760795.4), dbSNP rs753578157, ClinGen allele CA404080234.

ClinVar aggregate classification (germline): Uncertain significance. Review status: criteria provided, multiple submitters, no conflicts (2 of 4 stars). 2 submissions from 2 submitters: Uncertain significance (2). Last evaluated 2025-10-28.

Conditions:
Hereditary cancer-predisposing syndrome. Also called: Neoplastic Syndromes, Hereditary; Hereditary Cancer Syndrome; Hereditary neoplastic syndrome; Tumor predisposition. Identifiers: Orphanet 140162, MedGen C0027672, MeSH D009386, MONDO:0015356.
Rhabdoid tumor predisposition syndrome 2 (RTPS2). Identifiers: Orphanet 231108, Orphanet 69077, MedGen C2750074, MONDO:0013224, OMIM 613325.

Submissions (2):

Ambry Genetics
Classification: Uncertain significance for Hereditary cancer-predisposing syndrome. Last evaluated: 2025-10-28. Review status: criteria provided, single submitter. Criteria: Ambry Variant Classification Scheme 2023. Collection method: clinical testing. Allele origin: germline.
Comment: The p.V1625F variant (also known as c.4873G>T), located in coding exon 34 of the SMARCA4 gene, results from a G to T substitution at nucleotide position 4873. The valine at codon 1625 is replaced by phenylalanine, an amino acid with highly similar properties. This amino acid position is conserved. In addition, the in silico prediction for this alteration is inconclusive. Based on the available evidence, the clinical significance of this variant remains unclear.

Labcorp Genetics (formerly Invitae), Labcorp
Classification: Uncertain significance for Rhabdoid tumor predisposition syndrome 2. Last evaluated: 2023-09-15. Review status: criteria provided, single submitter. Criteria: Invitae Variant Classification Sherloc (09022015). Collection method: clinical testing. Allele origin: germline.
Comment: In summary, the available evidence is currently insufficient to determine the role of this variant in disease. Therefore, it has been classified as a Variant of Uncertain Significance. Advanced modeling of protein sequence and biophysical properties (such as structural, functional, and spatial information, amino acid conservation, physicochemical variation, residue mobility, and thermodynamic stability) performed at Invitae indicates that this missense variant is expected to disrupt SMARCA4 protein function. This variant has not been reported in the literature in individuals affected with SMARCA4-related conditions. This variant is not present in population databases (gnomAD no frequency). This sequence change replaces valine, which is neutral and non-polar, with phenylalanine, which is neutral and non-polar, at codon 1625 of the SMARCA4 protein (p.Val1625Phe).